The following is an entry in ClinVar:

ClinVar aggregate classification (germline): Uncertain significance (1 of 4 stars; one submission).

Conditions:
2-aminoadipic 2-oxoadipic aciduria (AAKAD). Also called: ALPHA-AMINOADIPIC AND ALPHA-KETOADIPIC ACIDURIA; Aminoadipic aciduria. Identifiers: Orphanet 79154, MedGen C1859817, MONDO:0008774, OMIM 204750.

Allele frequency attached by ClinVar (database versions not stated): ExAC 0.00002; gnomAD 0.00003; TOPMed 0.00003.
gnomAD v4.1: 49 of 1,613,994 alleles (0.003%); highest among the groups gnomAD compares: Admixed American, 0.005%; no homozygotes.

Submission:

Labcorp Genetics (formerly Invitae), Labcorp
Classification: Uncertain significance for 2-aminoadipic 2-oxoadipic aciduria. Last evaluated: 2025-06-24. Review status: criteria provided, single submitter. Criteria: Invitae Variant Classification Sherloc (09022015). Collection method: clinical testing. Allele origin: germline.
Comment: This sequence change replaces valine, which is neutral and non-polar, with methionine, which is neutral and non-polar, at codon 298 of the DHTKD1 protein (p.Val298Met). This variant is present in population databases (rs756540722, gnomAD 0.003%). This variant has not been reported in the literature in individuals affected with DHTKD1-related conditions. ClinVar contains an entry for this variant (Variation ID: 2158769). Invitae Evidence Modeling of protein sequence and biophysical properties (such as structural, functional, and spatial information, amino acid conservation, physicochemical variation, residue mobility, and thermodynamic stability) indicates that this missense variant is not expected to disrupt DHTKD1 protein function with a negative predictive value of 80%. In summary, the available evidence is currently insufficient to determine the role of this variant in disease. Therefore, it has been classified as a Variant of Uncertain Significance.

NM_018706.7(DHTKD1):c.892G>A (p.Val298Met)

Gene: DHTKD1 (dehydrogenase E1 and transketolase domain containing 1; plus strand). Cytogenetic location: 10p14.
Variant type: single nucleotide variant.
Coding change: c.892G>A on transcript NM_018706.7 (MANE Select); coding-DNA position 892, G replaced by A.
Protein change: p.Val298Met; replaces valine 298 with methionine.
Molecular consequence: missense variant.
Genome position (GRCh38, 1-based): chr10:12,089,160, G>A. VCF-style: chr10-12089160-G-A. GRCh37 (hg19) VCF-style: chr10-12131159-G-A.
Other names: short protein forms V298M.
Identifiers: ClinVar variation 2158769 (VCV002158769.4), dbSNP rs756540722, ClinGen allele CA5407674.